The following is an entry in ClinVar:

ClinVar aggregate classification (germline): Uncertain significance (1 of 4 stars; one submission).

Conditions:
DICER1-related tumor predisposition. Also called: DICER1-related pleuropulmonary blastoma cancer predisposition syndrome; DICER1 syndrome. Identifiers: Orphanet 284343, MedGen C3839822, MONDO:0100216.

gnomAD v4.1: 1 of 1,614,122 alleles (0.000062%); highest among the groups gnomAD compares: Non-Finnish European, 0.000085%; no homozygotes.

Submission:

Labcorp Genetics (formerly Invitae), Labcorp
Classification: Uncertain significance for DICER1-related tumor predisposition. Last evaluated: 2019-05-02. Review status: criteria provided, single submitter. Criteria: Invitae Variant Classification Sherloc (09022015). Collection method: clinical testing. Allele origin: germline.
Comment: This sequence change replaces arginine with lysine at codon 1020 of the DICER1 protein (p.Arg1020Lys). The arginine residue is highly conserved and there is a small physicochemical difference between arginine and lysine. This variant is not present in population databases (ExAC no frequency). This variant has not been reported in the literature in individuals with DICER1-related conditions. Algorithms developed to predict the effect of missense changes on protein structure and function are either unavailable or do not agree on the potential impact of this missense change (SIFT: "Tolerated"; PolyPhen-2: "Possibly Damaging"; Align-GVGD: "Class C0"). In summary, the available evidence is currently insufficient to determine the role of this variant in disease. Therefore, it has been classified as a Variant of Uncertain Significance.

NM_177438.3(DICER1):c.3059G>A (p.Arg1020Lys)

Gene: DICER1 (dicer 1, ribonuclease III; minus strand). Cytogenetic location: 14q32.13.
Variant type: single nucleotide variant.
Coding change: c.3059G>A on transcript NM_177438.3 (MANE Select); coding-DNA position 3059, G replaced by A.
Protein change: p.Arg1020Lys; replaces arginine 1020 with lysine.
Molecular consequence: missense variant.
Genome position (GRCh38, 1-based): chr14:95,105,712, C>T on the plus strand (G>A on the coding strand, the complement: DICER1 is on the minus strand). VCF-style: chr14-95105712-C-T. GRCh37 (hg19) VCF-style: chr14-95572049-C-T.
Other names: c.3059G>A, p.Arg1020Lys (NM_001195573.1, NM_001271282.3, NM_001291628.2 and 1 more transcripts); short protein forms R1020K.
Identifiers: ClinVar variation 944947 (VCV000944947.11), dbSNP rs1891356787, ClinGen allele CA390878141.